The following is an entry in ClinVar:

NM_000718.4(CACNA1B):c.6224C>T (p.Ala2075Val)

Gene: CACNA1B (calcium voltage-gated channel subunit alpha1 B; plus strand). Cytogenetic location: 9q34.3.
Variant type: single nucleotide variant.
Coding change: c.6224C>T on transcript NM_000718.4 (MANE Select); coding-DNA position 6224, C replaced by T.
Protein change: p.Ala2075Val; replaces alanine 2075 with valine.
Molecular consequence: missense variant.
Genome position (GRCh38, 1-based): chr9:138,120,358, C>T. VCF-style: chr9-138120358-C-T. GRCh37 (hg19) VCF-style: chr9-141014810-C-T.
Other names: c.6224C>T, p.Ala2075Val (NM_001243812.2); short protein forms A2075V.
Identifiers: ClinVar variation 2125153 (VCV002125153.4), dbSNP rs1162501902, ClinGen allele CA375822511.

ClinVar aggregate classification (germline): Uncertain significance (1 of 4 stars; one submission).

Submission:

Labcorp Genetics (formerly Invitae), Labcorp
Classification: Uncertain significance. Last evaluated: 2022-04-13. Review status: criteria provided, single submitter. Criteria: Invitae Variant Classification Sherloc (09022015). Collection method: clinical testing. Allele origin: germline.
Comment: This sequence change replaces alanine, which is neutral and non-polar, with valine, which is neutral and non-polar, at codon 2075 of the CACNA1B protein (p.Ala2075Val). In summary, the available evidence is currently insufficient to determine the role of this variant in disease. Therefore, it has been classified as a Variant of Uncertain Significance. Advanced modeling of protein sequence and biophysical properties (such as structural, functional, and spatial information, amino acid conservation, physicochemical variation, residue mobility, and thermodynamic stability) performed at Invitae indicates that this missense variant is not expected to disrupt CACNA1B protein function. This variant has not been reported in the literature in individuals affected with CACNA1B-related conditions. This variant is not present in population databases (gnomAD no frequency).